The following is an entry in ClinVar:

ClinVar aggregate classification (germline): Uncertain significance. Review status: criteria provided, multiple submitters, no conflicts (2 of 4 stars). 2 submissions from 2 submitters: Uncertain significance (2). Last evaluated 2025-04-09.

Conditions:
Hereditary spastic paraplegia 7 (SPG7). Also called: SPG7-related neurologic disorder; SPASTIC PARAPLEGIA 7, AUTOSOMAL RECESSIVE, WITH OR WITHOUT CEREBELLAR ATAXIA; Spastic paraplegia 7; Hereditary spastic paraplegia Paraplegin type; Autosomal recessive spastic paraplegia type 7. Identifiers: Orphanet 99013, MedGen C1846564, MONDO:0011803, OMIM 607259.

Allele frequency attached by ClinVar (database versions not stated): ExAC 0.00004; TOPMed 0.00006; gnomAD 0.00007 and 0.00008; ESP Exome Variant Server 0.00008.
gnomAD v4.1: 25 of 1,613,846 alleles (0.0015%); highest among the groups gnomAD compares: African/African-American, 0.032%; no homozygotes.

Submissions (2):

Labcorp Genetics (formerly Invitae), Labcorp
Classification: Uncertain significance for Hereditary spastic paraplegia 7. Last evaluated: 2025-04-09. Review status: criteria provided, single submitter. Criteria: Invitae Variant Classification Sherloc (09022015). Collection method: clinical testing. Allele origin: germline.
Comment: This sequence change replaces proline, which is neutral and non-polar, with histidine, which is basic and polar, at codon 350 of the SPG7 protein (p.Pro350His). This variant is present in population databases (rs376254211, gnomAD 0.03%). This variant has not been reported in the literature in individuals affected with SPG7-related conditions. ClinVar contains an entry for this variant (Variation ID: 579762). Invitae Evidence Modeling of protein sequence and biophysical properties (such as structural, functional, and spatial information, amino acid conservation, physicochemical variation, residue mobility, and thermodynamic stability) indicates that this missense variant is expected to disrupt SPG7 protein function with a positive predictive value of 80%. This variant disrupts the p.Pro350 amino acid residue in SPG7. Other variant(s) that disrupt this residue have been determined to be pathogenic (internal data). This suggests that this residue is clinically significant, and that variants that disrupt this residue are likely to be disease-causing. In summary, the available evidence is currently insufficient to determine the role of this variant in disease. Therefore, it has been classified as a Variant of Uncertain Significance.

GeneDx
Classification: Uncertain significance. Last evaluated: 2022-07-06. Review status: criteria provided, single submitter. Criteria: GeneDx Variant Classification Process June 2021. Collection method: clinical testing. Allele origin: germline. Affected: yes.
Comment: In silico analysis supports that this missense variant has a deleterious effect on protein structure/function; Has not been previously published as pathogenic or benign to our knowledge; This variant is associated with the following publications: (PMID: 22571692)

NM_003119.4(SPG7):c.1049C>A (p.Pro350His)

Gene: SPG7 (SPG7 matrix AAA peptidase subunit, paraplegin; plus strand). Cytogenetic location: 16q24.3.
Variant type: single nucleotide variant.
Coding change: c.1049C>A on transcript NM_003119.4 (MANE Select); coding-DNA position 1049, C replaced by A.
Protein change: p.Pro350His; replaces proline 350 with histidine.
Molecular consequence: missense variant.
Genome position (GRCh38, 1-based): chr16:89,531,965, C>A. VCF-style: chr16-89531965-C-A. GRCh37 (hg19) VCF-style: chr16-89598373-C-A.
Other names: c.1049C>A, p.Pro350His (NM_001363850.1, NM_199367.3); short protein forms P350H.
Identifiers: ClinVar variation 579762 (VCV000579762.9), dbSNP rs376254211, ClinGen allele CA8243926.